The following is an entry in ClinVar:

NM_002834.5(PTPN11):c.519C>G (p.Arg173=)

Gene: PTPN11 (protein tyrosine phosphatase non-receptor type 11; plus strand). Cytogenetic location: 12q24.13.
Variant type: single nucleotide variant.
Coding change: c.519C>G on transcript NM_002834.5 (MANE Select); coding-DNA position 519, C replaced by G.
Protein change: p.Arg173=; no amino-acid change (arginine 173 retained).
Molecular consequence: synonymous variant.
Genome position (GRCh38, 1-based): chr12:112,453,381, C>G. VCF-style: chr12-112453381-C-G. GRCh37 (hg19) VCF-style: chr12-112891185-C-G.
Other names: c.519C>G, p.Arg173= (NM_001330437.2, NM_080601.3); c.516C>G, p.Arg172= (NM_001374625.1).
Identifiers: ClinVar variation 517561 (VCV000517561.15), dbSNP rs767425313, ClinGen allele CA6798557.
Genomic context (GRCh38, chr12:112,453,381, plus strand): 5'-TGGTGATGACAAAGGGGAGAGCAATGACGGCAAGTCTAAAGTGACCCATGTTATGATTCG[C>G]TGTCAGGTAAATCTCCAGTTGAAAAATGGGTCTGGCAAGATGTTACCTTTGGGTGATTTT-3'
Protein context (NP_002825.3, residues 163-183): GKSKVTHVMI[Arg173=]CQELKYDVGG

ClinVar aggregate classification (germline): Likely benign. Review status: criteria provided, multiple submitters, no conflicts (2 of 4 stars). 4 submissions from 4 submitters: Likely benign (4). Last evaluated 2026-01-19.

Conditions:
Cardiovascular phenotype. Identifiers: MedGen CN230736.
RASopathy. Also called: rasopathies; Noonan spectrum disorder. Identifiers: Orphanet 536391, MedGen C5555857, MONDO:0021060.
Noonan syndrome 1 (NS1). Also called: PTPN11-Related Noonan Syndrome; TURNER PHENOTYPE WITH NORMAL KARYOTYPE; FEMALE PSEUDO-TURNER SYNDROME. Identifiers: Orphanet 648, MedGen C4551602, MONDO:0008104, OMIM 163950. Disease mechanism: gain of function.
Juvenile myelomonocytic leukemia (JMML). Also called: LEUKEMIA, JUVENILE MYELOMONOCYTIC, SOMATIC. Identifiers: Orphanet 86834, MedGen C0349639, MONDO:0011908, OMIM 607785, HP:0012209.
Metachondromatosis (METCDS). Identifiers: Orphanet 2499, MedGen C0410530, MONDO:0007979, OMIM 156250.
LEOPARD syndrome 1 (LPRD1). Also called: LENTIGINOSIS, CARDIOMYOPATHIC; MULTIPLE LENTIGINES SYNDROME; PTPN11-Related LEOPARD Syndrome. Identifiers: Orphanet 500, MedGen C4551484, MONDO:0100082, OMIM 151100.

Allele frequency attached by ClinVar (database versions not stated): gnomAD below 0.00001 and 0.00002; TOPMed 0.00001; gnomAD exomes 0.00003 and 0.00005; ExAC 0.00004.
gnomAD v4.1: 52 of 1,613,886 alleles (0.0032%); highest among the groups gnomAD compares: South Asian, 0.053%; no homozygotes.

Submissions (4):

Labcorp Genetics (formerly Invitae), Labcorp
Classification: Likely benign for RASopathy. Last evaluated: 2026-01-19. Review status: criteria provided, single submitter. Criteria: Invitae Variant Classification Sherloc (09022015). Collection method: clinical testing. Allele origin: germline.

Ambry Genetics
Classification: Likely benign for Cardiovascular phenotype. Last evaluated: 2025-02-16. Review status: criteria provided, single submitter. Criteria: Ambry Variant Classification Scheme 2023. Collection method: clinical testing. Allele origin: germline.

Fulgent Genetics
Classification: Likely benign for LEOPARD syndrome 1; Metachondromatosis; Noonan syndrome 1; Juvenile myelomonocytic leukemia. Last evaluated: 2021-12-14. Review status: criteria provided, single submitter. Criteria: ACMG Guidelines, 2015. Collection method: clinical testing. Allele origin: unknown.

Laboratory for Molecular Medicine, Mass General Brigham Personalized Medicine
Classification: Likely benign. Last evaluated: 2017-08-23. Review status: criteria provided, single submitter. Criteria: LMM Criteria. Collection method: clinical testing. Allele origin: germline. Observed: 1 variant allele.
Comment: p.Arg173Arg in exon 4 of PTPN11: This variant is not expected to have clinical s ignificance because it does not alter an amino acid residue and is not located w ithin the splice consensus sequence. It has been identified in 0.03% (5/16512) o f South Asian chromosomes by the Exome Aggregation Consortium (ExAC .; dbSNP rs767425313).